The following is an entry in ClinVar:

NM_001379210.1(SLC25A26):c.136T>G (p.Phe46Val)

Gene: SLC25A26 (solute carrier family 25 member 26; plus strand). Cytogenetic location: 3p14.1.
Variant type: single nucleotide variant.
Coding change: c.136T>G on transcript NM_001379210.1 (MANE Select); coding-DNA position 136, T replaced by G.
Protein change: p.Phe46Val; replaces phenylalanine 46 with valine.
Molecular consequence: missense variant. On other transcripts: 5 prime UTR variant (2), non-coding transcript variant (8), intron variant (3).
Genome position (GRCh38, 1-based): chr3:66,236,646, T>G. VCF-style: chr3-66236646-T-G. GRCh37 (hg19) VCF-style: chr3-66287070-T-G.
Other names: c.-129T>G (NM_001350993.1, NM_001400711.1); c.136T>G, p.Phe46Val (NM_001400705.1, NM_001400707.1, NM_173471.4); c.-74-6557T>G (NM_001164796.1, NM_001400709.1, NM_001400714.1); short protein forms F46V.
Identifiers: ClinVar variation 3392797 (VCV003392797.1).

ClinVar aggregate classification (germline): Uncertain significance (1 of 4 stars; one submission).

gnomAD v4.1: 8 of 1,529,536 alleles (0.00052%); highest among the groups gnomAD compares: African/African-American, 0.011%; no homozygotes.

Submission:

GeneDx
Classification: Uncertain significance. Last evaluated: 2024-06-25. Review status: criteria provided, single submitter. Criteria: GeneDx Variant Classification Process June 2021. Collection method: clinical testing. Allele origin: germline. Affected: yes.
Comment: Not observed at significant frequency in large population cohorts (gnomAD); In silico analysis supports that this missense variant has a deleterious effect on protein structure/function; Has not been previously published as pathogenic or benign to our knowledge